The following is an entry in ClinVar:

ClinVar aggregate classification (germline): Likely pathogenic (1 of 4 stars; one submission).

Conditions:
Fanconi anemia complementation group T. Identifiers: Orphanet 84, MedGen C4084840, MONDO:0014638, OMIM 616435.

Submission:

Department of Clinical Genetics, Copenhagen University Hospital, Rigshospitalet
Classification: Likely pathogenic for Fanconi anemia complementation group T. Last evaluated: 2025-11-18. Review status: criteria provided, single submitter. Criteria: ACMG Guidelines, 2015. Collection method: clinical testing. Allele origin: germline. Affected: yes.
Comment: The following ACMG criteria has been used: PM2_SUP; PVS1

NM_014176.4(UBE2T):c.185del (p.Pro62fs)

Gene: UBE2T (ubiquitin conjugating enzyme E2 T; minus strand). Cytogenetic location: 1q32.1.
Variant type: Deletion.
Coding change: c.185del on transcript NM_014176.4 (MANE Select); coding-DNA position 185, one base deleted (C; older notation c.185delC).
Protein change: p.Pro62fs; shifts the reading frame from proline 62.
Molecular consequence: frameshift variant.
Genome position (GRCh38, 1-based): chr1:202,333,550, G deleted on the plus strand (C on the coding strand, the reverse complement: UBE2T is on the minus strand); the first of 3 consecutive G bases (chr1:202,333,550-202,333,552); deleting any one gives the same sequence. VCF-style (leftmost placement, unchanged base first): chr1-202333549-TG-T. GRCh37 (hg19) VCF-style: chr1-202302677-TG-T.
Other names: c.95del, p.Pro32fs (NM_001310326.2); short protein forms P32fs, P62fs.
Identifiers: ClinVar variation 4531177 (VCV004531177.1).